The following is an entry in ClinVar:

ClinVar aggregate classification (germline): Conflicting classifications of pathogenicity. Review status: criteria provided, conflicting classifications (1 of 4 stars). 3 submissions from 3 submitters: Uncertain significance (1); Likely benign (2). Last evaluated 2024-06-25.

Conditions:
KBG syndrome (KBGS). Also called: ANKRD11-Related KBG Syndrome. Identifiers: Orphanet 2332, MedGen C0220687, MONDO:0007846, OMIM 148050.
Inborn genetic diseases. Identifiers: MedGen C0950123, MeSH D030342.

Allele frequency attached by ClinVar (database versions not stated): gnomAD 0.00003 and 0.00004; gnomAD exomes 0.00003; ExAC 0.00004; TOPMed 0.00004; ESP Exome Variant Server 0.00008.
gnomAD v4.1: 129 of 1,613,888 alleles (0.008%); highest among the groups gnomAD compares: Non-Finnish European, 0.011%; no homozygotes.

Submissions (4):

Labcorp Genetics (formerly Invitae), Labcorp
Classification: Likely benign for KBG syndrome. Last evaluated: 2024-06-25. Review status: criteria provided, single submitter. Criteria: Invitae Variant Classification Sherloc (09022015). Collection method: clinical testing. Allele origin: germline.

GeneDx
Classification: Likely benign. Last evaluated: 2019-05-03. Review status: criteria provided, single submitter. Criteria: GeneDx Variant Classification Process June 2021. Collection method: clinical testing. Allele origin: germline. Affected: yes.

Ambry Genetics
Classification: Uncertain significance for Inborn genetic diseases. Last evaluated: 2019-02-16. Review status: criteria provided, single submitter. Criteria: Ambry Variant Classification Scheme 2023. Collection method: clinical testing. Allele origin: germline.
Comment: The c.3978G>A variant (also known as p.T1326T), located in coding exon 7, results from a G to A substitution at nucleotide position 3978 of the ANKRD11 gene. This nucleotide substitution does not change the amino acid at codon 1326. This nucleotide position is poorly conserved in available vertebrate species. Using the BDGP and ESEfinder splice site prediction tools, this alteration is predicted to create a new alternate splice acceptor site; however, direct evidence is unavailable. Since supporting evidence is limited at this time, the clinical significance of this alteration remains unclear.

Dr. Peter K. Rogan Lab, Western University
No classification provided (evidence only). Condition: Gastric cancer. Review status: no classification provided. Collection method: in vitro. Allele origin: not applicable. Functional consequence: retained intron. Not counted in ClinVar's aggregate classification.

NM_013275.6(ANKRD11):c.3978G>A (p.Thr1326=)

Gene: ANKRD11 (ankyrin repeat domain 11; minus strand). Cytogenetic location: 16q24.3.
Variant type: single nucleotide variant.
Coding change: c.3978G>A on transcript NM_013275.6 (MANE Select); coding-DNA position 3978, G replaced by A.
Protein change: p.Thr1326=; no amino-acid change (threonine 1326 retained).
Molecular consequence: synonymous variant.
Genome position (GRCh38, 1-based): chr16:89,282,564, C>T on the plus strand (G>A on the coding strand, the complement: ANKRD11 is on the minus strand). VCF-style: chr16-89282564-C-T. GRCh37 (hg19) VCF-style: chr16-89348972-C-T.
Other names: c.3978G>A, p.Thr1326= (NM_001256182.2, NM_001256183.2).
Identifiers: ClinVar variation 1215939 (VCV001215939.9), dbSNP rs200351769, ClinGen allele CA8242236.